The following is an entry in ClinVar:

ClinVar aggregate classification (germline): Benign/Likely benign. Review status: criteria provided, multiple submitters, no conflicts (2 of 4 stars). 8 submissions from 8 submitters: Benign (3); Likely benign (4). 1 of the submissions does not count toward it. Last evaluated 2026-01-30.

Conditions:
ALG6-congenital disorder of glycosylation 1C (CDG1C). Also called: CDG Ic; Congenital disorder of glycosylation, type Ic; CARBOHYDRATE-DEFICIENT GLYCOPROTEIN SYNDROME, TYPE I, WITH DEFICIENT GLYCOSYLATION OF DOLICHOL-LINKED OLIGOSACCHARIDE; CARBOHYDRATE-DEFICIENT GLYCOPROTEIN SYNDROME, TYPE V; Congenital disorder of glycosylation type 1C. Identifiers: Orphanet 79320, MedGen C2930997, MONDO:0011291, OMIM 603147.

Allele frequency attached by ClinVar (database versions not stated): ExAC 0.00190; ESP Exome Variant Server 0.00569; gnomAD exomes 0.00065 and 0.00159; gnomAD 0.00660 and 0.00705; TOPMed 0.00743; 1000 Genomes Project 0.00799; 1000 Genomes Project 30x 0.00859.
gnomAD v4.1: 2,008 of 1,614,070 alleles (0.12%); highest among the groups gnomAD compares: African/African-American, 2.3%; 19 homozygotes.

Submissions (8):

Labcorp Genetics (formerly Invitae), Labcorp
Classification: Benign for ALG6-congenital disorder of glycosylation 1C. Last evaluated: 2026-01-30. Review status: criteria provided, single submitter. Criteria: Invitae Variant Classification Sherloc (09022015). Collection method: clinical testing. Allele origin: germline.

ARUP Laboratories, Molecular Genetics and Genomics, ARUP Laboratories
Classification: Benign for ALG6-congenital disorder of glycosylation 1C. Last evaluated: 2024-10-11. Review status: criteria provided, single submitter. Criteria: ARUP Molecular Germline Variant Investigation Process 2024. Collection method: clinical testing. Allele origin: germline.

Fulgent Genetics
Classification: Likely benign for ALG6-congenital disorder of glycosylation 1C. Last evaluated: 2022-01-24. Review status: criteria provided, single submitter. Criteria: ACMG Guidelines, 2015. Collection method: clinical testing. Allele origin: unknown.

Illumina Laboratory Services, Illumina
Classification: Likely benign for ALG6-congenital disorder of glycosylation 1C. Last evaluated: 2018-01-12. Review status: criteria provided, single submitter. Criteria: ICSL Variant Classification Criteria 13 December 2019. Collection method: clinical testing. Allele origin: germline.
Comment: This variant was observed in the ICSL laboratory as part of a predisposition screen in an ostensibly healthy population. It had not been previously curated by ICSL or reported in the Human Gene Mutation Database (HGMD: prior to June 1st, 2018), and was therefore a candidate for classification through an automated scoring system. Utilizing variant allele frequency, disease prevalence and penetrance estimates, and inheritance mode, an automated score was calculated to assess if this variant is too frequent to cause the disease. Based on the score and internal cut-off values, a variant classified as likely benign is not then subjected to further curation. The score for this variant resulted in a classification of likely benign for this disease.

GeneDx
Classification: Benign. Last evaluated: 2017-01-04. Review status: criteria provided, single submitter. Criteria: GeneDx Variant Classification (06012015). Collection method: clinical testing. Allele origin: germline. Affected: yes.
Comment: This variant is considered likely benign or benign based on one or more of the following criteria: it is a conservative change, it occurs at a poorly conserved position in the protein, it is predicted to be benign by multiple in silico algorithms, and/or has population frequency not consistent with disease.

Center for Pediatric Genomic Medicine, Children's Mercy Hospital and Clinics
Classification: Likely benign. Last evaluated: 2016-02-11. Review status: criteria provided, single submitter. Criteria: ACMG Guidelines, 2015. Collection method: clinical testing. Allele origin: germline.
ClinVar note: Converted during submission from Likely Benign to Likely benign.

Breakthrough Genomics
Classification: Likely benign. Review status: criteria provided, single submitter. Criteria: ACMG Guidelines, 2015. Collection method: not provided. Allele origin: germline. Inheritance: Autosomal recessive inheritance. Affected: yes.

Genetic Services Laboratory, University of Chicago
Classification: Likely benign for AllHighlyPenetrant. Review status: no assertion criteria provided. Collection method: clinical testing. Allele origin: germline. Inheritance: Autosomal recessive inheritance. Not counted in ClinVar's aggregate classification.
Comment: Likely benign based on allele frequency in 1000 Genomes Project or ESP global frequency and its presence in a patient with a rare or unrelated disease phenotype. NOT Sanger confirmed.

NM_013339.4(ALG6):c.751A>G (p.Thr251Ala)

Gene: ALG6 (ALG6 alpha-1,3-glucosyltransferase; plus strand). Cytogenetic location: 1p31.3.
Variant type: single nucleotide variant.
Coding change: c.751A>G on transcript NM_013339.4 (MANE Select); coding-DNA position 751, A replaced by G.
Protein change: p.Thr251Ala; replaces threonine 251 with alanine.
Molecular consequence: missense variant.
Genome position (GRCh38, 1-based): chr1:63,411,996, A>G. VCF-style: chr1-63411996-A-G. GRCh37 (hg19) VCF-style: chr1-63877667-A-G.
Other names: c.751A>G, p.Thr251Ala (LRG_1260t1); short protein forms T251A.
Identifiers: ClinVar variation 128354 (VCV000128354.26), dbSNP rs61755863, ClinGen allele CA151754.